The following is an entry in ClinVar:

ClinVar aggregate classification (germline): Uncertain significance (1 of 4 stars; one submission).

gnomAD v4.1: 1 of 1,614,206 alleles (0.000062%); highest among the groups gnomAD compares: African/African-American, 0.0013%; no homozygotes.

Submission:

GeneDx
Classification: Uncertain significance. Last evaluated: 2025-03-13. Review status: criteria provided, single submitter. Criteria: GeneDx Variant Classification Process June 2021. Collection method: clinical testing. Allele origin: germline. Affected: yes.
Comment: In silico analysis indicates that this missense variant does not alter protein structure/function; Has not been previously published as pathogenic or benign to our knowledge

NM_001020658.2(PUM1):c.1098G>C (p.Gln366His)

Gene: PUM1 (pumilio RNA binding family member 1; minus strand). Cytogenetic location: 1p35.2.
Variant type: single nucleotide variant.
Coding change: c.1098G>C on transcript NM_001020658.2 (MANE Select); coding-DNA position 1098, G replaced by C.
Protein change: p.Gln366His; replaces glutamine 366 with histidine.
Molecular consequence: missense variant.
Genome position (GRCh38, 1-based): chr1:30,992,450, C>G on the plus strand (G>C on the coding strand, the complement: PUM1 is on the minus strand). VCF-style: chr1-30992450-C-G. GRCh37 (hg19) VCF-style: chr1-31465297-C-G.
Other names: c.1098G>C, p.Gln366His (NM_014676.3); short protein forms Q366H.
Identifiers: ClinVar variation 4086515 (VCV004086515.1).
Genomic context (GRCh38, chr1:30,992,450, plus strand): 5'-CTGTTGTTGAGAATTGTAGTCAAAAAGTCCCACAGTTGCTGCTGCTGAGTCCACAGGTAC[C>G]TGCGTGCCTGAATAATCAAACTGAAGAGGCTCCATGCCCACATGTTCCATGGGGTCCAAG-3'
Protein context (NP_001018494.1, residues 356-376): EPLQFDYSGT[Gln366His]VPVDSAAATV